The following is an entry in ClinVar:

NM_153240.5(NPHP3):c.328T>C (p.Leu110=)

Genes: NPHP3 (nephrocystin 3; minus strand), NPHP3-ACAD11 (NPHP3-ACAD11 readthrough (NMD candidate); minus strand), NPHP3-AS1 (NPHP3 antisense RNA 1; plus strand). Cytogenetic location: 3q22.1.
Variant type: single nucleotide variant.
Coding change: c.328T>C on transcript NM_153240.5 (MANE Select); coding-DNA position 328, T replaced by C.
Protein change: p.Leu110=; no amino-acid change (leucine 110 retained).
Molecular consequence: synonymous variant. On other transcripts: non-coding transcript variant (3).
Genome position (GRCh38, 1-based): chr3:132,722,028, A>G on the plus strand (T>C on the coding strand, the complement: NPHP3 is on the minus strand). VCF-style: chr3-132722028-A-G. GRCh37 (hg19) VCF-style: chr3-132440872-A-G.
Identifiers: ClinVar variation 2189120 (VCV002189120.6), dbSNP rs369995775, ClinGen allele CA435802144.

ClinVar aggregate classification (germline): Likely benign. Review status: criteria provided, single submitter (1 of 4 stars). 2 submissions from 2 submitters: Likely benign (1). 1 of the submissions does not count toward it. Last evaluated 2022-09-27.

Conditions:
Nephronophthisis. Also called: Juvenile Nephronophthisis. Identifiers: Orphanet 655, MedGen C0687120, MONDO:0019005, HP:0000090.
NPHP3-related disorder. Also called: NPHP3-related disorders; NPHP3-related condition. Identifiers: MedGen CN379163.

gnomAD v4.1: 3 of 1,613,236 alleles (0.00019%); highest among the groups gnomAD compares: Non-Finnish European, 0.00025%; no homozygotes.

Submissions (2):

Labcorp Genetics (formerly Invitae), Labcorp
Classification: Likely benign for Nephronophthisis. Last evaluated: 2022-09-27. Review status: criteria provided, single submitter. Criteria: Invitae Variant Classification Sherloc (09022015). Collection method: clinical testing. Allele origin: germline.

PreventionGenetics, part of Exact Sciences
Classification: Likely benign for NPHP3-related condition. Last evaluated: 2020-08-28. Review status: no assertion criteria provided. Collection method: clinical testing. Allele origin: germline. Not counted in ClinVar's aggregate classification.
Comment: This variant is classified as likely benign based on ACMG/AMP sequence variant interpretation guidelines (Richards et al. 2015 PMID: 25741868, with internal and published modifications).